The following is an entry in ClinVar:

ClinVar aggregate classification (germline): Pathogenic/Likely pathogenic. Review status: criteria provided, multiple submitters, no conflicts (2 of 4 stars). 2 submissions from 2 submitters: Pathogenic (1); Likely pathogenic (1). Last evaluated 2024-10-16.

Conditions:
Arrhythmogenic cardiomyopathy with wooly hair and keratoderma. Also called: Arrhythmogenic cardiomyopathy with woolly hair and keratoderma; Dilated cardiomyopathy with woolly hair and keratoderma; PALMOPLANTAR KERATODERMA WITH LEFT VENTRICULAR CARDIOMYOPATHY AND WOOLLY HAIR; Carvajal syndrome. Identifiers: Orphanet 65282, MedGen C1854063, MONDO:0011581, OMIM 605676.
Arrhythmogenic right ventricular dysplasia 8 (ARVD8). Also called: Arrhythmogenic Right Ventricular Dysplasia/Cardiomyopathy 8; ARRHYTHMOGENIC RIGHT VENTRICULAR DYSPLASIA, FAMILIAL, 8; ARRHYTHMOGENIC RIGHT VENTRICULAR CARDIOMYOPATHY 8. Identifiers: MedGen C1843896, MONDO:0011831, OMIM 607450.
DSP-related disorder. Also called: DSP-related condition; DSP-related disorders.

Submissions (2):

Blueprint Genetics
Classification: Likely pathogenic for DSP-related disorders. Last evaluated: 2024-10-16. Review status: criteria provided, single submitter. Criteria: ACMG Guidelines, 2015. Collection method: clinical testing. Allele origin: germline. Affected: yes. Observed: 2 variant alleles.

Labcorp Genetics (formerly Invitae), Labcorp
Classification: Pathogenic for Arrhythmogenic cardiomyopathy with wooly hair and keratoderma; Arrhythmogenic right ventricular dysplasia 8. Last evaluated: 2023-08-22. Review status: criteria provided, single submitter. Criteria: Invitae Variant Classification Sherloc (09022015). Collection method: clinical testing. Allele origin: germline.
Comment: This variant is not present in population databases (gnomAD no frequency). This sequence change creates a premature translational stop signal (p.Ser1883*) in the DSP gene. While this is not anticipated to result in nonsense mediated decay, it is expected to disrupt the last 989 amino acid(s) of the DSP protein. This variant has not been reported in the literature in individuals affected with DSP-related conditions. This variant disrupts a region of the DSP protein in which other variant(s) (p.Glu2728Glyfs*11) have been determined to be pathogenic (Invitae). This suggests that this is a clinically significant region of the protein, and that variants that disrupt it are likely to be disease-causing. For these reasons, this variant has been classified as Pathogenic.

NM_004415.4(DSP):c.5648C>A (p.Ser1883Ter)

Gene: DSP (desmoplakin; plus strand). Cytogenetic location: 6p24.3.
Variant type: single nucleotide variant.
Coding change: c.5648C>A on transcript NM_004415.4 (MANE Select); coding-DNA position 5648, C replaced by A.
Protein change: p.Ser1883Ter; replaces serine 1883 with a stop codon.
Molecular consequence: nonsense.
Genome position (GRCh38, 1-based): chr6:7,582,910, C>A. VCF-style: chr6-7582910-C-A. GRCh37 (hg19) VCF-style: chr6-7583143-C-A.
Other names: c.3851C>A, p.Ser1284Ter (NM_001008844.3); c.4319C>A, p.Ser1440Ter (NM_001319034.2); short protein forms S1284*, S1440*, S1883*.
Identifiers: ClinVar variation 2949735 (VCV002949735.4), dbSNP rs1418959797, ClinGen allele CA362689095.